The following is an entry in ClinVar:

NM_000091.5(COL4A3):c.2173A>T (p.Lys725Ter)

Genes: COL4A3 (collagen type IV alpha 3 chain; plus strand), MFF-DT (MFF divergent transcript; minus strand). Cytogenetic location: 2q36.3.
Variant type: single nucleotide variant.
Coding change: c.2173A>T on transcript NM_000091.5 (MANE Select); coding-DNA position 2173, A replaced by T.
Protein change: p.Lys725Ter; replaces lysine 725 with a stop codon.
Molecular consequence: nonsense.
Genome position (GRCh38, 1-based): chr2:227,279,840, A>T. VCF-style: chr2-227279840-A-T. GRCh37 (hg19) VCF-style: chr2-228144556-A-T.
Other names: short protein forms K725*.
Identifiers: ClinVar variation 5013461 (VCV005013461.1).

ClinVar aggregate classification (germline): Pathogenic (1 of 4 stars; one submission).

Conditions:
Alport syndrome. Also called: Hemorrhagic familial nephritis; Hemorrhagic hereditary nephritis; Congenital hereditary hematuria. Identifiers: Orphanet 63, MedGen C1567741, MONDO:0018965.

Submission:

Myriad Genetics, Inc.
Classification: Pathogenic for Alport syndrome. Last evaluated: 2024-08-19. Review status: criteria provided, single submitter. Criteria: Myriad Autosomal Dominant, Autosomal Recessive and X-Linked Classification Criteria (2023). Collection method: clinical testing. Allele origin: unknown.
Comment: NM_000091.4(COL4A3):c.2173A>T(K725*) is expected to be pathogenic in the context of Alport syndrome, COL4A3-related. This variant is predicted to lead to an abnormal or absent protein product due to the creation of a premature termination codon in COL4A3, a gene where loss-of-function variants are known to be pathogenic. Please note: this variant was assessed in the context of healthy population screening.